The following is an entry in ClinVar:

NM_182920.2(ADAMTS9):c.3396G>A (p.Val1132=)

Gene: ADAMTS9 (ADAM metallopeptidase with thrombospondin type 1 motif 9; minus strand). Cytogenetic location: 3p14.1.
Variant type: single nucleotide variant.
Coding change: c.3396G>A on transcript NM_182920.2 (MANE Select); coding-DNA position 3396, G replaced by A.
Protein change: p.Val1132=; no amino-acid change (valine 1132 retained).
Molecular consequence: synonymous variant.
Genome position (GRCh38, 1-based): chr3:64,607,038, C>T on the plus strand (G>A on the coding strand, the complement: ADAMTS9 is on the minus strand). VCF-style: chr3-64607038-C-T. GRCh37 (hg19) VCF-style: chr3-64592714-C-T.
Other names: c.3312G>A, p.Val1104= (NM_001318781.2).
Identifiers: ClinVar variation 2653947 (VCV002653947.24), dbSNP rs36103059, ClinGen allele CA2480863.
Genomic context (GRCh38, chr3:64,607,038, plus strand): 5'-AGTTGCTGCATTACAGTCATTGTCATCTACCACTGACATATAAGTCCCAATGATGCATTT[C>T]ACTGCTCTTAGCTGGTATCCCTGTCCACAAGTGACACTGCACTGGAAGAAGGAGGACAAA-3'
Protein context (NP_891550.1, residues 1122-1142): TCGQGYQLRA[Val1132=]KCIIGTYMSV

ClinVar aggregate classification (germline): Likely benign (1 of 4 stars; one submission).

Allele frequency attached by ClinVar (database versions not stated): TOPMed 0.00009; gnomAD 0.00011; ExAC 0.00013; gnomAD exomes 0.00023.
gnomAD v4.1: 353 of 1,613,752 alleles (0.022%); highest among the groups gnomAD compares: Non-Finnish European, 0.029%; no homozygotes.

Submission:

CeGaT Center for Human Genetics Tuebingen
Classification: Likely benign. Last evaluated: 2022-07-01. Review status: criteria provided, single submitter. Criteria: CeGaT Center For Human Genetics Tuebingen Variant Classification Criteria Version 2. Collection method: clinical testing. Allele origin: germline. Affected: yes. Observed: 1 variant allele.
Comment: ADAMTS9: BP4, BP7